The following is an entry in ClinVar:

NM_001008212.2(OPTN):c.1525G>A (p.Gly509Arg)

Gene: OPTN (optineurin; plus strand). Cytogenetic location: 10p13.
Variant type: single nucleotide variant.
Coding change: c.1525G>A on transcript NM_001008212.2 (MANE Select); coding-DNA position 1525, G replaced by A.
Protein change: p.Gly509Arg; replaces glycine 509 with arginine.
Molecular consequence: missense variant.
Genome position (GRCh38, 1-based): chr10:13,132,190, G>A. VCF-style: chr10-13132190-G-A. GRCh37 (hg19) VCF-style: chr10-13174190-G-A.
Other names: c.1525G>A, p.Gly509Arg (NM_001008213.1, NM_021980.4, NM_001008211.1); short protein forms G509R.
Identifiers: ClinVar variation 1335033 (VCV001335033.36), dbSNP rs182957382, ClinGen allele CA203270207.

ClinVar aggregate classification (germline): Uncertain significance. Review status: criteria provided, single submitter (1 of 4 stars). 2 submissions from 2 submitters: Uncertain significance (1). 1 of the submissions does not count toward it. Last evaluated 2021-10-01.

Conditions:
OPTN-related disorder. Also called: OPTN-related condition; OPTN-related disorders.

Allele frequency attached by ClinVar (database versions not stated): TOPMed 0.00002; gnomAD 0.00003; gnomAD exomes 0.00003; 1000 Genomes Project 30x 0.00016; 1000 Genomes Project 0.00020.

Submissions (2):

CeGaT Center for Human Genetics Tuebingen
Classification: Uncertain significance. Last evaluated: 2021-10-01. Review status: criteria provided, single submitter. Criteria: CeGaT Center For Human Genetics Tuebingen Variant Classification Criteria Version 2. Collection method: clinical testing. Allele origin: germline. Affected: yes. Observed: 1 variant allele.

PreventionGenetics, part of Exact Sciences
Classification: Uncertain significance for OPTN-related condition. Last evaluated: 2023-11-21. Review status: no assertion criteria provided. Collection method: clinical testing. Allele origin: germline. Not counted in ClinVar's aggregate classification.
Comment: The OPTN c.1525G>A variant is predicted to result in the amino acid substitution p.Gly509Arg. To our knowledge, this variant has not been reported in the literature or in a large population database, indicating this variant is rare. At this time, the clinical significance of this variant is uncertain due to the absence of conclusive functional and genetic evidence.